The following is an entry in ClinVar:

ClinVar aggregate classification (germline): Uncertain significance (1 of 4 stars; one submission).

Conditions:
RASopathy. Also called: rasopathies; Noonan spectrum disorder. Identifiers: Orphanet 536391, MedGen C5555857, MONDO:0021060.

Allele frequency attached by ClinVar (database versions not stated): gnomAD exomes 0.00001.
gnomAD v4.1: 16 of 1,582,724 alleles (0.001%); highest among the groups gnomAD compares: African/African-American, 0.0027%; no homozygotes.

Submission:

Labcorp Genetics (formerly Invitae), Labcorp
Classification: Uncertain significance for RASopathy. Last evaluated: 2023-11-03. Review status: criteria provided, single submitter. Criteria: Invitae Variant Classification Sherloc (09022015). Collection method: clinical testing. Allele origin: germline.
Comment: This sequence change replaces alanine, which is neutral and non-polar, with valine, which is neutral and non-polar, at codon 182 of the MAP2K2 protein (p.Ala182Val). The frequency data for this variant in the population databases is considered unreliable, as metrics indicate poor data quality at this position in the gnomAD database. This variant has not been reported in the literature in individuals affected with MAP2K2-related conditions. ClinVar contains an entry for this variant (Variation ID: 2055057). Advanced modeling of protein sequence and biophysical properties (such as structural, functional, and spatial information, amino acid conservation, physicochemical variation, residue mobility, and thermodynamic stability) performed at Invitae indicates that this missense variant is not expected to disrupt MAP2K2 protein function with a negative predictive value of 95%. In summary, the available evidence is currently insufficient to determine the role of this variant in disease. Therefore, it has been classified as a Variant of Uncertain Significance.

NM_030662.4(MAP2K2):c.545C>T (p.Ala182Val)

Gene: MAP2K2 (mitogen-activated protein kinase kinase 2; minus strand). Cytogenetic location: 19p13.3.
Variant type: single nucleotide variant.
Coding change: c.545C>T on transcript NM_030662.4 (MANE Select); coding-DNA position 545, C replaced by T.
Protein change: p.Ala182Val; replaces alanine 182 with valine.
Molecular consequence: missense variant.
Genome position (GRCh38, 1-based): chr19:4,101,264, G>A on the plus strand (C>T on the coding strand, the complement: MAP2K2 is on the minus strand). VCF-style: chr19-4101264-G-A. GRCh37 (hg19) VCF-style: chr19-4101262-G-A.
Other names: short protein forms A182V.
Identifiers: ClinVar variation 2055057 (VCV002055057.4), dbSNP rs1327576678, ClinGen allele CA403389004.